The following is an entry in ClinVar:

NM_004380.3(CREBBP):c.201_202del (p.His67fs)

Gene: CREBBP (CREB binding lysine acetyltransferase; minus strand). Cytogenetic location: 16p13.3.
Variant type: Deletion.
Coding change: c.201_202del on transcript NM_004380.3 (MANE Select); coding-DNA positions 201 to 202, 2 bases deleted (TA; older notation c.201_202delTA).
Protein change: p.His67fs; shifts the reading frame from histidine 67.
Molecular consequence: frameshift variant.
Genome position (GRCh38, 1-based): chr16:3,850,893-3,850,894, TA deleted on the plus strand (TA on the coding strand, the reverse complement: CREBBP is on the minus strand); deleting any 2 consecutive bases within chr16:3,850,893-3,850,895 gives the same sequence; the c. name uses the placement nearest the transcript's 3' end. VCF-style (leftmost placement, unchanged base first): chr16-3850892-TTA-T. GRCh37 (hg19) VCF-style: chr16-3900893-TTA-T.
Other names: c.201_202del, p.His67fs (NM_001079846.1); short protein forms H67fs.
Identifiers: ClinVar variation 2137772 (VCV002137772.4), dbSNP rs2548546502, ClinGen allele CA2580091149.

ClinVar aggregate classification (germline): Pathogenic (1 of 4 stars; one submission).

Conditions:
Rubinstein-Taybi syndrome (RSTS). Identifiers: Orphanet 783, MedGen C0035934, MONDO:0019188.

Submission:

Labcorp Genetics (formerly Invitae), Labcorp
Classification: Pathogenic for Rubinstein-Taybi syndrome. Last evaluated: 2022-03-04. Review status: criteria provided, single submitter. Criteria: Invitae Variant Classification Sherloc (09022015). Collection method: clinical testing. Allele origin: germline.
Comment: This sequence change creates a premature translational stop signal (p.His67Glnfs*14) in the CREBBP gene. It is expected to result in an absent or disrupted protein product. Loss-of-function variants in CREBBP are known to be pathogenic (PMID: 17052327, 18792986). This variant is not present in population databases (gnomAD no frequency). For these reasons, this variant has been classified as Pathogenic. This premature translational stop signal has been observed in individual(s) with Rubinstein-Taybi syndrome (PMID: 19852432).

Literature cited by the submitters: PubMed 17052327; PubMed 18792986; PubMed 19852432.